The following is an entry in ClinVar:

NM_001195263.2(PDZD7):c.1526G>C (p.Gly509Ala)

Gene: PDZD7 (PDZ domain containing 7; minus strand). Cytogenetic location: 10q24.31.
Variant type: single nucleotide variant.
Coding change: c.1526G>C on transcript NM_001195263.2 (MANE Select); coding-DNA position 1526, G replaced by C.
Protein change: p.Gly509Ala; replaces glycine 509 with alanine.
Molecular consequence: missense variant.
Genome position (GRCh38, 1-based): chr10:101,016,424, C>G on the plus strand (G>C on the coding strand, the complement: PDZD7 is on the minus strand). VCF-style: chr10-101016424-C-G. GRCh37 (hg19) VCF-style: chr10-102776181-C-G.
Other names: short protein forms G509A.
Identifiers: ClinVar variation 1368351 (VCV001368351.7), dbSNP rs916653126, ClinGen allele CA212982319.

ClinVar aggregate classification (germline): Uncertain significance (1 of 4 stars; one submission).

gnomAD v4.1: 5 of 1,550,646 alleles (0.00032%); highest among the groups gnomAD compares: Middle Eastern, 0.033%; no homozygotes.

Submission:

Labcorp Genetics (formerly Invitae), Labcorp
Classification: Uncertain significance. Last evaluated: 2022-07-06. Review status: criteria provided, single submitter. Criteria: Invitae Variant Classification Sherloc (09022015). Collection method: clinical testing. Allele origin: germline.
Comment: This sequence change replaces glycine, which is neutral and non-polar, with alanine, which is neutral and non-polar, at codon 509 of the PDZD7 protein (p.Gly509Ala). This variant is not present in population databases (gnomAD no frequency). This variant has not been reported in the literature in individuals affected with PDZD7-related conditions. ClinVar contains an entry for this variant (Variation ID: 1368351). Algorithms developed to predict the effect of missense changes on protein structure and function are either unavailable or do not agree on the potential impact of this missense change (SIFT: "Deleterious"; PolyPhen-2: "Not Available"; Align-GVGD: "Class C0"). In summary, the available evidence is currently insufficient to determine the role of this variant in disease. Therefore, it has been classified as a Variant of Uncertain Significance.